The following is an entry in ClinVar:

ClinVar aggregate classification (germline): Uncertain significance. Review status: criteria provided, multiple submitters, no conflicts (2 of 4 stars). 3 submissions from 3 submitters: Uncertain significance (3). Last evaluated 2024-09-24.

Conditions:
Inborn genetic diseases. Identifiers: MedGen C0950123, MeSH D030342.
Congenital myasthenic syndrome 10. Also called: Myasthenia, limb-girdle, familial. Identifiers: Orphanet 590, MedGen C1850792, MONDO:0009690, OMIM 254300.
Fetal akinesia deformation sequence 1 (FADS1). Also called: Fetal akinesia sequence; Pena-Shokeir syndrome type I. Identifiers: Orphanet 994, MedGen C1276035, MONDO:0100101, OMIM 208150, HP:0001989.

Allele frequency attached by ClinVar (database versions not stated): gnomAD exomes 0.00001 and 0.00002; gnomAD 0.00002; TOPMed 0.00002.
gnomAD v4.1: 19 of 1,605,094 alleles (0.0012%); highest among the groups gnomAD compares: Non-Finnish European, 0.0014%; no homozygotes.

Submissions (3):

Ambry Genetics
Classification: Uncertain significance for Inborn genetic diseases. Last evaluated: 2024-09-24. Review status: criteria provided, single submitter. Criteria: Ambry Variant Classification Scheme 2023. Collection method: clinical testing. Allele origin: germline.

Blueprint Genetics
Classification: Uncertain significance. Last evaluated: 2022-08-29. Review status: criteria provided, single submitter. Criteria: ACMG Guidelines, 2015. Collection method: clinical testing. Allele origin: germline.

Labcorp Genetics (formerly Invitae), Labcorp
Classification: Uncertain significance for Congenital myasthenic syndrome 10; Fetal akinesia deformation sequence 1. Last evaluated: 2021-08-30. Review status: criteria provided, single submitter. Criteria: Invitae Variant Classification Sherloc (09022015). Collection method: clinical testing. Allele origin: germline.
Comment: This sequence change replaces glycine with tryptophan at codon 483 of the DOK7 protein (p.Gly483Trp). The glycine residue is moderately conserved and there is a large physicochemical difference between glycine and tryptophan. This variant is not present in population databases (ExAC no frequency). This variant has not been reported in the literature in individuals affected with DOK7-related conditions. Algorithms developed to predict the effect of missense changes on protein structure and function are either unavailable or do not agree on the potential impact of this missense change (SIFT: "Deleterious"; PolyPhen-2: "Probably Damaging"; Align-GVGD: "Class C0"). In summary, the available evidence is currently insufficient to determine the role of this variant in disease. Therefore, it has been classified as a Variant of Uncertain Significance.

NM_173660.5(DOK7):c.1447G>T (p.Gly483Trp)

Gene: DOK7 (docking protein 7; plus strand). Cytogenetic location: 4p16.3.
Variant type: single nucleotide variant.
Coding change: c.1447G>T on transcript NM_173660.5 (MANE Select); coding-DNA position 1447, G replaced by T.
Protein change: p.Gly483Trp; replaces glycine 483 with tryptophan.
Molecular consequence: missense variant. On other transcripts: 3 prime UTR variant (1).
Genome position (GRCh38, 1-based): chr4:3,493,433, G>T. VCF-style: chr4-3493433-G-T. GRCh37 (hg19) VCF-style: chr4-3495160-G-T.
Other names: c.*668G>T (NM_001164673.2); c.517G>T, p.Gly173Trp (NM_001256896.2); c.1447G>T, p.Gly483Trp (NM_001301071.2); c.1015G>T, p.Gly339Trp (NM_001363811.2); short protein forms G483W, G173W, G339W.
Identifiers: ClinVar variation 937110 (VCV000937110.9), dbSNP rs915179362, ClinGen allele CA91557686.